The following is an entry in ClinVar:

ClinVar aggregate classification (germline): Uncertain significance (1 of 4 stars; one submission).

Conditions:
Familial thoracic aortic aneurysm and aortic dissection (TAAD). Also called: Thoracic aortic aneurysms and dissections. Identifiers: Orphanet 91387, MedGen C4707243, MONDO:0019625.

gnomAD v4.1: 2 of 1,614,080 alleles (0.00012%); highest among the groups gnomAD compares: East Asian, 0.0045%; no homozygotes.

Submission:

Color Diagnostics, LLC DBA Color Health
Classification: Uncertain significance for Familial thoracic aortic aneurysm and aortic dissection. Last evaluated: 2025-07-25. Review status: criteria provided, single submitter. Criteria: ACMG Guidelines, 2015. Collection method: clinical testing. Allele origin: germline.
Comment: This missense variant replaces aspartic acid with tyrosine at codon 795 of the MYH11 protein. Computational prediction is inconclusive regarding the impact of this variant on protein structure and function. To our knowledge, functional studies have not been reported for this variant. This variant has not been reported in individuals affected with MYH11-related disorders in the literature. This variant has been identified in 4/251492 chromosomes in the general population by the Genome Aggregation Database (gnomAD). The available evidence is insufficient to determine the role of this variant in disease conclusively. Therefore, this variant is classified as a Variant of Uncertain Significance.

NM_002474.3(MYH11):c.2362G>T (p.Asp788Tyr)

Gene: MYH11 (myosin heavy chain 11; minus strand). Cytogenetic location: 16p13.11.
Variant type: single nucleotide variant.
Coding change: c.2362G>T on transcript NM_002474.3 (MANE Select); coding-DNA position 2362, G replaced by T.
Protein change: p.Asp788Tyr; replaces aspartic acid 788 with tyrosine.
Molecular consequence: missense variant.
Genome position (GRCh38, 1-based): chr16:15,747,619, C>A on the plus strand (G>T on the coding strand, the complement: MYH11 is on the minus strand). VCF-style: chr16-15747619-C-A. GRCh37 (hg19) VCF-style: chr16-15841476-C-A.
Other names: c.2383G>T, p.Asp795Tyr (NM_001040113.2, NM_001040114.2); c.2362G>T, p.Asp788Tyr (NM_022844.3); short protein forms D788Y, D795Y.
Identifiers: ClinVar variation 4759016 (VCV004759016.1).